The following is an entry in ClinVar:

ClinVar aggregate classification (germline): Uncertain significance (1 of 4 stars; one submission).

Allele frequency attached by ClinVar (database versions not stated): gnomAD exomes 0.00001.
gnomAD v4.1: 7 of 1,612,902 alleles (0.00043%); highest among the groups gnomAD compares: Non-Finnish European, 0.00059%; no homozygotes.

Submission:

Labcorp Genetics (formerly Invitae), Labcorp
Classification: Uncertain significance. Last evaluated: 2020-02-12. Review status: criteria provided, single submitter. Criteria: Invitae Variant Classification Sherloc (09022015). Collection method: clinical testing. Allele origin: germline.
Comment: This variant is not present in population databases (ExAC no frequency). This sequence change replaces alanine with threonine at codon 61 of the TOPORS protein (p.Ala61Thr). The alanine residue is moderately conserved and there is a small physicochemical difference between alanine and threonine. This variant has not been reported in the literature in individuals with TOPORS-related conditions. In summary, the available evidence is currently insufficient to determine the role of this variant in disease. Therefore, it has been classified as a Variant of Uncertain Significance. Algorithms developed to predict the effect of missense changes on protein structure and function (SIFT, PolyPhen-2, Align-GVGD) all suggest that this variant is likely to be tolerated, but these predictions have not been confirmed by published functional studies and their clinical significance is uncertain.

NM_005802.5(TOPORS):c.181G>A (p.Ala61Thr)

Gene: TOPORS (TOP1 binding arginine/serine rich protein, E3 ubiquitin ligase; minus strand). Cytogenetic location: 9p21.1.
Variant type: single nucleotide variant.
Coding change: c.181G>A on transcript NM_005802.5 (MANE Select); coding-DNA position 181, G replaced by A.
Protein change: p.Ala61Thr; replaces alanine 61 with threonine.
Molecular consequence: missense variant. On other transcripts: intron variant (1).
Genome position (GRCh38, 1-based): chr9:32,550,791, C>T on the plus strand (G>A on the coding strand, the complement: TOPORS is on the minus strand). VCF-style: chr9-32550791-C-T. GRCh37 (hg19) VCF-style: chr9-32550789-C-T.
Other names: c.3+1643G>A (NM_001195622.2); short protein forms A61T.
Identifiers: ClinVar variation 1039463 (VCV001039463.9), dbSNP rs1821227724, ClinGen allele CA373173287.
Genomic context (GRCh38, chr9:32,550,791, plus strand): 5'-GCCCTTCCGACCCCCGCGTCCCATTGTTCCGAATCTCACTCACCTCGGAGGATGCCGGCG[C>T]AGGCCTGGCTGGGGCGCTCGCCGCGAGCTCCCGGCAGCCCAGAAAGCTAGGTCGGTGTCG-3'
Protein context (NP_005793.2, residues 51-71): ELAASAPARP[Ala61Thr]PASSEIMASA